The following is an entry in ClinVar:

NM_021074.5(NDUFV2):c.74T>C (p.Leu25Ser)

Gene: NDUFV2 (NADH:ubiquinone oxidoreductase core subunit V2; plus strand). Cytogenetic location: 18p11.22.
Variant type: single nucleotide variant.
Coding change: c.74T>C on transcript NM_021074.5 (MANE Select); coding-DNA position 74, T replaced by C.
Protein change: p.Leu25Ser; replaces leucine 25 with serine.
Molecular consequence: missense variant.
Genome position (GRCh38, 1-based): chr18:9,117,857, T>C. VCF-style: chr18-9117857-T-C. GRCh37 (hg19) VCF-style: chr18-9117855-T-C.
Other names: short protein forms L25S.
Identifiers: ClinVar variation 4072737 (VCV004072737.2).
Genomic context (GRCh38, chr18:9,117,857, plus strand): 5'-GGCTATGATTTACTAAACTTTCTTAAAATTTTAAATTTTAGGGAAGACATGTAAGGAATT[T>C]GCATAAGACAGTTATGCAAAATGGAGCTGGAGGAGCTTTATTTGTGGTAAGTAATTACTT-3'
Protein context (NP_066552.2, residues 15-35): TAHWGRHVRN[Leu25Ser]HKTVMQNGAG

ClinVar aggregate classification (germline): Uncertain significance. Review status: criteria provided, multiple submitters, no conflicts (2 of 4 stars). 2 submissions from 2 submitters: Uncertain significance (2). Last evaluated 2025-10-21.

gnomAD v4.1: 14 of 1,599,526 alleles (0.00088%); highest among the groups gnomAD compares: East Asian, 0.022%; no homozygotes.

Submissions (2):

Labcorp Genetics (formerly Invitae), Labcorp
Classification: Uncertain significance. Last evaluated: 2025-10-21. Review status: criteria provided, single submitter. Criteria: Invitae Variant Classification Sherloc (09022015). Collection method: clinical testing. Allele origin: germline.
Comment: This sequence change replaces leucine, which is neutral and non-polar, with serine, which is neutral and polar, at codon 25 of the NDUFV2 protein (p.Leu25Ser). This variant is present in population databases (rs199997775, gnomAD 0.02%). This variant has not been reported in the literature in individuals affected with NDUFV2-related conditions. ClinVar contains an entry for this variant (Variation ID: 4072737). An algorithm developed to predict the effect of missense changes on protein structure and function (PolyPhen-2) suggests that this variant is likely to be disruptive. In summary, the available evidence is currently insufficient to determine the role of this variant in disease. Therefore, it has been classified as a Variant of Uncertain Significance.

GeneDx
Classification: Uncertain significance. Last evaluated: 2025-02-04. Review status: criteria provided, single submitter. Criteria: GeneDx Variant Classification Process June 2021. Collection method: clinical testing. Allele origin: germline. Affected: yes.
Comment: In silico analysis indicates that this missense variant does not alter protein structure/function; Has not been previously published as pathogenic or benign to our knowledge